The following is an entry in ClinVar:

ClinVar aggregate classification (germline): Uncertain significance. Review status: criteria provided, single submitter (1 of 4 stars). 2 submissions from 2 submitters: Uncertain significance (1). 1 of the submissions does not count toward it. Last evaluated 2024-09-18.

Conditions:
Charcot-Marie-Tooth disease. Also called: Charcot-Marie-Tooth Neuropathy; Charcot-Marie-Tooth Hereditary Neuropathy. Identifiers: Orphanet 166, MedGen C0007959, MONDO:0015626.
Charcot-Marie-Tooth disease type 4A. Also called: Charcot-Marie-Tooth disease, demyelinating, autosomal recessive, type 4a. Identifiers: Orphanet 99948, MedGen C1859198, MONDO:0008961, OMIM 214400.

Allele frequency attached by ClinVar (database versions not stated): gnomAD exomes below 0.00001 and 0.00002; ExAC 0.00001; TOPMed 0.00001.
gnomAD v4.1: 24 of 1,613,652 alleles (0.0015%); highest among the groups gnomAD compares: Non-Finnish European, 0.0019%; no homozygotes.

Submissions (2):

Labcorp Genetics (formerly Invitae), Labcorp
Classification: Uncertain significance for Charcot-Marie-Tooth disease type 4A. Last evaluated: 2024-09-18. Review status: criteria provided, single submitter. Criteria: Invitae Variant Classification Sherloc (09022015). Collection method: clinical testing. Allele origin: germline.
Comment: This sequence change replaces asparagine, which is neutral and polar, with aspartic acid, which is acidic and polar, at codon 356 of the GDAP1 protein (p.Asn356Asp). This variant is present in population databases (rs765609133, gnomAD 0.0009%). This variant has not been reported in the literature in individuals affected with GDAP1-related conditions. ClinVar contains an entry for this variant (Variation ID: 695009). An algorithm developed to predict the effect of missense changes on protein structure and function (PolyPhen-2) suggests that this variant is likely to be tolerated. In summary, the available evidence is currently insufficient to determine the role of this variant in disease. Therefore, it has been classified as a Variant of Uncertain Significance.

Genesis Genome Database
Classification: Uncertain significance for Charcot-Marie-Tooth disease. Last evaluated: 2019-08-14. Review status: no assertion criteria provided. Collection method: research. Allele origin: germline. Affected: yes. Not counted in ClinVar's aggregate classification.

NM_018972.4(GDAP1):c.1066A>G (p.Asn356Asp)

Gene: GDAP1 (ganglioside induced differentiation associated protein 1; plus strand). Cytogenetic location: 8q21.11.
Variant type: single nucleotide variant.
Coding change: c.1066A>G on transcript NM_018972.4 (MANE Select); coding-DNA position 1066, A replaced by G.
Protein change: p.Asn356Asp; replaces asparagine 356 with aspartic acid.
Molecular consequence: missense variant. On other transcripts: intron variant (1).
Genome position (GRCh38, 1-based): chr8:74,364,356, A>G. VCF-style: chr8-74364356-A-G. GRCh37 (hg19) VCF-style: chr8-75276591-A-G.
Other names: c.862A>G, p.Asn288Asp (NM_001040875.4); c.739A>G, p.Asn247Asp (NM_001362929.2, NM_001362932.2); c.892A>G, p.Asn298Asp (NM_001362930.2); c.694+1303A>G (NM_001362931.2); short protein forms N247D, N288D, N298D, N356D.
Identifiers: ClinVar variation 695009 (VCV000695009.10), dbSNP rs765609133, ClinGen allele CA4785235.